The following is an entry in ClinVar:

NM_005228.5(EGFR):c.2927del (p.Gln976fs)

Gene: EGFR (epidermal growth factor receptor; plus strand). Cytogenetic location: 7p11.2.
Variant type: Deletion.
Coding change: c.2927del on transcript NM_005228.5 (MANE Select); coding-DNA position 2927, one base deleted (A; older notation c.2927delA).
Protein change: p.Gln976fs; shifts the reading frame from glutamine 976.
Molecular consequence: frameshift variant.
Genome position (GRCh38, 1-based): chr7:55,200,394, A deleted. VCF-style (leftmost placement, unchanged base first): chr7-55200393-CA-C. GRCh37 (hg19) VCF-style: chr7-55268086-CA-C.
Other names: c.2792del, p.Gln931fs (NM_001346897.2, NM_001346899.2); c.2927del, p.Gln976fs (NM_001346898.2); c.2768del, p.Gln923fs (NM_001346900.2); c.2126del, p.Gln709fs (NM_001346941.2); short protein forms Q709fs, Q976fs, Q923fs, Q931fs.
Identifiers: ClinVar variation 2129131 (VCV002129131.4), dbSNP rs2534856605, ClinGen allele CA2580077349.

ClinVar aggregate classification (germline): Pathogenic (1 of 4 stars; one submission).

Conditions:
EGFR-related lung cancer (EGFR). Identifiers: MedGen CN130014.

Submission:

Labcorp Genetics (formerly Invitae), Labcorp
Classification: Pathogenic for EGFR-related lung cancer. Last evaluated: 2022-04-22. Review status: criteria provided, single submitter. Criteria: Invitae Variant Classification Sherloc (09022015). Collection method: clinical testing. Allele origin: germline.
Comment: For these reasons, this variant has been classified as Pathogenic. This variant has not been reported in the literature in individuals affected with EGFR-related conditions. This variant is not present in population databases (gnomAD no frequency). This sequence change creates a premature translational stop signal (p.Gln976Argfs*26) in the EGFR gene. It is expected to result in an absent or disrupted protein product. Loss-of-function variants in EGFR are known to be pathogenic (PMID: 7630400, 28726809, 29899996).

Literature cited by the submitters: PubMed 7630400; PubMed 28726809; PubMed 29899996.